The following is an entry in ClinVar:

ClinVar aggregate classification (germline): Benign (0 of 4 stars; one submission).

Conditions:
ASH1L-related disorder. Also called: ASH1L-related condition.

Allele frequency attached by ClinVar (database versions not stated): TOPMed 0.00016; gnomAD 0.00051; gnomAD exomes 0.00103; ExAC 0.00264; 1000 Genomes Project 30x 0.00297; 1000 Genomes Project 0.00339.
gnomAD v4.1: 1,581 of 1,614,202 alleles (0.098%); highest among the groups gnomAD compares: South Asian, 1.6%; 21 homozygotes.

Submission:

PreventionGenetics, part of Exact Sciences
Classification: Benign for ASH1L-related condition. Last evaluated: 2021-03-26. Review status: no assertion criteria provided. Collection method: clinical testing. Allele origin: germline.
Comment: This variant is classified as benign based on ACMG/AMP sequence variant interpretation guidelines (Richards et al. 2015 PMID: 25741868, with internal and published modifications).

NM_018489.3(ASH1L):c.7695C>G (p.Thr2565=)

Gene: ASH1L (ASH1 like histone lysine methyltransferase; minus strand). Cytogenetic location: 1q22.
Variant type: single nucleotide variant.
Coding change: c.7695C>G on transcript NM_018489.3 (MANE Select); coding-DNA position 7695, C replaced by G.
Protein change: p.Thr2565=; no amino-acid change (threonine 2565 retained).
Molecular consequence: synonymous variant.
Genome position (GRCh38, 1-based): chr1:155,347,764, G>C on the plus strand (C>G on the coding strand, the complement: ASH1L is on the minus strand). VCF-style: chr1-155347764-G-C. GRCh37 (hg19) VCF-style: chr1-155317555-G-C.
Other names: c.7710C>G, p.Thr2570= (NM_001366177.2).
Identifiers: ClinVar variation 3058196 (VCV003058196.2), dbSNP rs201784092, ClinGen allele CA1146065.